The following is an entry in ClinVar:

NM_000179.3(MSH6):c.3611C>G (p.Ala1204Gly)

Gene: MSH6 (mutS homolog 6; plus strand). Cytogenetic location: 2p16.3.
Variant type: single nucleotide variant.
Coding change: c.3611C>G on transcript NM_000179.3 (MANE Select); coding-DNA position 3611, C replaced by G.
Protein change: p.Ala1204Gly; replaces alanine 1204 with glycine.
Molecular consequence: missense variant. On other transcripts: non-coding transcript variant (5).
Genome position (GRCh38, 1-based): chr2:47,805,672, C>G. VCF-style: chr2-47805672-C-G. GRCh37 (hg19) VCF-style: chr2-48032811-C-G.
Other names: c.3221C>G, p.Ala1074Gly (NM_001281492.2); c.2705C>G, p.Ala902Gly (NM_001281493.2, NM_001281494.2, NM_001406811.1 and 6 more transcripts); c.3707C>G, p.Ala1236Gly (NM_001406795.1, NM_001406802.1); c.3611C>G, p.Ala1204Gly (NM_001406796.1, NM_001406800.1, NM_001406808.1 and 1 more transcripts); c.3314C>G, p.Ala1105Gly (NM_001406797.1, NM_001406801.1, NM_001406805.1 and 10 more transcripts); c.3437C>G, p.Ala1146Gly (NM_001406798.1); c.3086C>G, p.Ala1029Gly (NM_001406799.1, NM_001406806.1, NM_001406807.1); c.2747C>G, p.Ala916Gly (NM_001406803.1); and 7 more; short protein forms A1074G, A1105G, A1206G, A131G, A519G, A1148G, A1236G, A1029G.
Identifiers: ClinVar variation 4111204 (VCV004111204.2).

ClinVar aggregate classification (germline): Uncertain significance. Review status: criteria provided, multiple submitters, no conflicts (2 of 4 stars). 2 submissions from 2 submitters: Uncertain significance (2). Last evaluated 2026-01-11.

Conditions:
Hereditary nonpolyposis colorectal neoplasms. Identifiers: MedGen C0009405, MeSH D003123.
Hereditary cancer-predisposing syndrome. Also called: Tumor predisposition; Neoplastic Syndromes, Hereditary; Hereditary neoplastic syndrome; Hereditary Cancer Syndrome. Identifiers: Orphanet 140162, MedGen C0027672, MeSH D009386, MONDO:0015356.

Submissions (2):

Labcorp Genetics (formerly Invitae), Labcorp
Classification: Uncertain significance for Hereditary nonpolyposis colorectal neoplasms. Last evaluated: 2026-01-11. Review status: criteria provided, single submitter. Criteria: Invitae Variant Classification Sherloc (09022015). Collection method: clinical testing. Allele origin: germline.
Comment: This sequence change replaces alanine, which is neutral and non-polar, with glycine, which is neutral and non-polar, at codon 1204 of the MSH6 protein (p.Ala1204Gly). This variant is not present in population databases (gnomAD no frequency). This variant has not been reported in the literature in individuals affected with MSH6-related conditions. ClinVar contains an entry for this variant (Variation ID: 4111204). Invitae Evidence Modeling of protein sequence and biophysical properties (such as structural, functional, and spatial information, amino acid conservation, physicochemical variation, residue mobility, and thermodynamic stability) indicates that this missense variant is not expected to disrupt MSH6 protein function with a negative predictive value of 95%. In summary, the available evidence is currently insufficient to determine the role of this variant in disease. Therefore, it has been classified as a Variant of Uncertain Significance.

Ambry Genetics
Classification: Uncertain significance for Hereditary cancer-predisposing syndrome. Last evaluated: 2025-07-12. Review status: criteria provided, single submitter. Criteria: Ambry Variant Classification Scheme 2023. Collection method: clinical testing. Allele origin: germline.
Comment: The p.A1204G variant (also known as c.3611C>G), located in coding exon 7 of the MSH6 gene, results from a C to G substitution at nucleotide position 3611. The alanine at codon 1204 is replaced by glycine, an amino acid with similar properties. This amino acid position is conserved. In addition, this alteration is predicted to be deleterious by in silico analysis. Based on the available evidence, the clinical significance of this variant remains unclear.